The following is an entry in ClinVar:

ClinVar aggregate classification (germline): Pathogenic (1 of 4 stars; one submission).

Conditions:
Cohen syndrome (COH1). Also called: Cutis verticis gyrata, retinitis pigmentosa, and sensorineural deafness; PEPPER SYNDROME. Identifiers: Orphanet 193, MedGen C0265223, MONDO:0008999, OMIM 216550.

Submission:

Labcorp Genetics (formerly Invitae), Labcorp
Classification: Pathogenic for Cohen syndrome. Last evaluated: 2022-11-16. Review status: criteria provided, single submitter. Criteria: Invitae Variant Classification Sherloc (09022015). Collection method: clinical testing. Allele origin: germline.
Comment: This sequence change creates a premature translational stop signal (p.Glu1228*) in the VPS13B gene. It is expected to result in an absent or disrupted protein product. Loss-of-function variants in VPS13B are known to be pathogenic (PMID: 15141358, 16648375, 20461111). For these reasons, this variant has been classified as Pathogenic. This variant has not been reported in the literature in individuals affected with VPS13B-related conditions. This variant is not present in population databases (gnomAD no frequency).

Literature cited by the submitters: PubMed 15141358; PubMed 16648375; PubMed 20461111.

NM_152564.5(VPS13B):c.3682G>T (p.Glu1228Ter)

Gene: VPS13B (vacuolar protein sorting 13 homolog B; plus strand). Cytogenetic location: 8q22.2.
Variant type: single nucleotide variant.
Coding change: c.3682G>T on transcript NM_152564.5 (MANE Select); coding-DNA position 3682, G replaced by T.
Protein change: p.Glu1228Ter; replaces glutamic acid 1228 with a stop codon.
Molecular consequence: nonsense.
Genome position (GRCh38, 1-based): chr8:99,481,614, G>T. VCF-style: chr8-99481614-G-T. GRCh37 (hg19) VCF-style: chr8-100493842-G-T.
Other names: c.3682G>T, p.Glu1228Ter (NM_017890.5); short protein forms E1228*.
Identifiers: ClinVar variation 2814631 (VCV002814631.3), dbSNP rs2490354235, ClinGen allele CA371866669.